The following is an entry in ClinVar:

NM_001081.4(CUBN):c.5170G>A (p.Ala1724Thr)

Gene: CUBN (cubilin; minus strand). Cytogenetic location: 10p13.
Variant type: single nucleotide variant.
Coding change: c.5170G>A on transcript NM_001081.4 (MANE Select); coding-DNA position 5170, G replaced by A.
Protein change: p.Ala1724Thr; replaces alanine 1724 with threonine.
Molecular consequence: missense variant.
Genome position (GRCh38, 1-based): chr10:16,948,517, C>T on the plus strand (G>A on the coding strand, the complement: CUBN is on the minus strand). VCF-style: chr10-16948517-C-T. GRCh37 (hg19) VCF-style: chr10-16990516-C-T.
Other names: short protein forms A1724T.
Identifiers: ClinVar variation 2800007 (VCV002800007.2), dbSNP rs985708107, ClinGen allele CA376160499.

ClinVar aggregate classification (germline): Uncertain significance (1 of 4 stars; one submission).

Conditions:
Imerslund-Grasbeck syndrome. Also called: ENTEROCYTE COBALAMIN MALABSORPTION; ENTEROCYTE INTRINSIC FACTOR RECEPTOR, DEFECT OF; PERNICIOUS ANEMIA, JUVENILE, DUE TO SELECTIVE INTESTINAL MALABSORPTION OF VITAMIN B12, WITH PROTEINURIA; Imerslund-Gräsbeck syndrome; Megaloblastic anemia due to inborn errors of metabolism. Identifiers: Orphanet 35858, MedGen C4551825, MONDO:0009853.

Allele frequency attached by ClinVar (database versions not stated): gnomAD exomes below 0.00001.
gnomAD v4.1: 1 of 1,614,062 alleles (0.000062%); highest among the groups gnomAD compares: Admixed American, 0.0017%; no homozygotes.

Submission:

Labcorp Genetics (formerly Invitae), Labcorp
Classification: Uncertain significance for Imerslund-Grasbeck syndrome. Last evaluated: 2025-08-21. Review status: criteria provided, single submitter. Criteria: Invitae Variant Classification Sherloc (09022015). Collection method: clinical testing. Allele origin: germline.
Comment: This sequence change replaces alanine, which is neutral and non-polar, with threonine, which is neutral and polar, at codon 1724 of the CUBN protein (p.Ala1724Thr). This variant is present in population databases (no rsID available, gnomAD 0.003%). This variant has not been reported in the literature in individuals affected with CUBN-related conditions. ClinVar contains an entry for this variant (Variation ID: 2800007). Invitae Evidence Modeling of protein sequence and biophysical properties (such as structural, functional, and spatial information, amino acid conservation, physicochemical variation, residue mobility, and thermodynamic stability) indicates that this missense variant is not expected to disrupt CUBN protein function with a negative predictive value of 80%. In summary, the available evidence is currently insufficient to determine the role of this variant in disease. Therefore, it has been classified as a Variant of Uncertain Significance.